The following is an entry in ClinVar:

NM_005585.5(SMAD6):c.916A>G (p.Thr306Ala)

Gene: SMAD6 (SMAD family member 6; plus strand). Cytogenetic location: 15q22.31.
Variant type: single nucleotide variant.
Coding change: c.916A>G on transcript NM_005585.5 (MANE Select); coding-DNA position 916, A replaced by G.
Protein change: p.Thr306Ala; replaces threonine 306 with alanine.
Molecular consequence: missense variant. On other transcripts: non-coding transcript variant (1).
Genome position (GRCh38, 1-based): chr15:66,716,462, A>G. VCF-style: chr15-66716462-A-G. GRCh37 (hg19) VCF-style: chr15-67008800-A-G.
Other names: short protein forms T306A.
Identifiers: ClinVar variation 2736228 (VCV002736228.3), dbSNP rs2140604770, ClinGen allele CA392951877.

ClinVar aggregate classification (germline): Uncertain significance (1 of 4 stars; one submission).

Conditions:
Aortic valve disease 2 (AOVD2). Identifiers: MedGen C3542024, MONDO:0013902, OMIM 614823.

Allele frequency attached by ClinVar (database versions not stated): gnomAD exomes below 0.00001.
gnomAD v4.1: 2 of 1,613,870 alleles (0.00012%); highest among the groups gnomAD compares: Non-Finnish European, 0.00017%; no homozygotes.

Submission:

Labcorp Genetics (formerly Invitae), Labcorp
Classification: Uncertain significance for Aortic valve disease 2. Last evaluated: 2023-12-09. Review status: criteria provided, single submitter. Criteria: Invitae Variant Classification Sherloc (09022015). Collection method: clinical testing. Allele origin: germline.
Comment: This sequence change replaces threonine, which is neutral and polar, with alanine, which is neutral and non-polar, at codon 306 of the SMAD6 protein (p.Thr306Ala). This variant is not present in population databases (gnomAD no frequency). This missense change has been observed in individual(s) with craniosynostosis (PMID: 27606499). Advanced modeling of protein sequence and biophysical properties (such as structural, functional, and spatial information, amino acid conservation, physicochemical variation, residue mobility, and thermodynamic stability) performed at Invitae indicates that this missense variant is not expected to disrupt SMAD6 protein function with a negative predictive value of 80%. In summary, the available evidence is currently insufficient to determine the role of this variant in disease. Therefore, it has been classified as a Variant of Uncertain Significance.

Literature cited by the submitters: PubMed 27606499.